The following is an entry in ClinVar:

ClinVar aggregate classification (germline): Uncertain significance. Review status: criteria provided, multiple submitters, no conflicts (2 of 4 stars). 2 submissions from 2 submitters: Uncertain significance (2). Last evaluated 2025-06-09.

Conditions:
Hereditary cancer-predisposing syndrome. Also called: Tumor predisposition; Neoplastic Syndromes, Hereditary; Hereditary neoplastic syndrome; Hereditary Cancer Syndrome. Identifiers: Orphanet 140162, MedGen C0027672, MeSH D009386, MONDO:0015356.
Familial adenomatous polyposis 1 (FAP1). Also called: POLYPOSIS, ADENOMATOUS INTESTINAL; FAMILIAL ADENOMATOUS POLYPOSIS 1, ATTENUATED. Identifiers: MedGen C2713442, MONDO:0021056, OMIM 175100. Disease mechanism: loss of function.

Submissions (2):

Ambry Genetics
Classification: Uncertain significance for Hereditary cancer-predisposing syndrome. Last evaluated: 2025-06-09. Review status: criteria provided, single submitter. Criteria: Ambry Variant Classification Scheme 2023. Collection method: clinical testing. Allele origin: germline.
Comment: The p.G487E variant (also known as c.1460G>A), located in coding exon 11 of the APC gene, results from a G to A substitution at nucleotide position 1460. The glycine at codon 487 is replaced by glutamic acid, an amino acid with similar properties. This amino acid position is highly conserved in available vertebrate species. In addition, in silico predictors for this gene do not accurately predict pathogenicity. Missense alterations in APC are not a common cause of disease (Spier I et al. Genet Med. 2024 Feb;26(2):100992). Based on the available evidence, the clinical significance of this variant remains unclear.

Labcorp Genetics (formerly Invitae), Labcorp
Classification: Uncertain significance for Familial adenomatous polyposis 1. Last evaluated: 2025-02-26. Review status: criteria provided, single submitter. Criteria: Invitae Variant Classification Sherloc (09022015). Collection method: clinical testing. Allele origin: germline.
Comment: This sequence change replaces glycine, which is neutral and non-polar, with glutamic acid, which is acidic and polar, at codon 487 of the APC protein (p.Gly487Glu). This variant is not present in population databases (gnomAD no frequency). This variant has not been reported in the literature in individuals affected with APC-related conditions. ClinVar contains an entry for this variant (Variation ID: 1018692). Invitae Evidence Modeling of protein sequence and biophysical properties (such as structural, functional, and spatial information, amino acid conservation, physicochemical variation, residue mobility, and thermodynamic stability) indicates that this missense variant is not expected to disrupt APC protein function with a negative predictive value of 95%. In summary, the available evidence is currently insufficient to determine the role of this variant in disease. Therefore, it has been classified as a Variant of Uncertain Significance.

NM_000038.6(APC):c.1460G>A (p.Gly487Glu)

Gene: APC (APC regulator of Wnt signaling pathway; plus strand). Cytogenetic location: 5q22.2.
Variant type: single nucleotide variant.
Coding change: c.1460G>A on transcript NM_000038.6 (MANE Select); coding-DNA position 1460, G replaced by A.
Protein change: p.Gly487Glu; replaces glycine 487 with glutamic acid.
Molecular consequence: missense variant.
Genome position (GRCh38, 1-based): chr5:112,827,159, G>A. VCF-style: chr5-112827159-G-A. GRCh37 (hg19) VCF-style: chr5-112162856-G-A.
Other names: c.1460G>A, p.Gly487Glu (NM_001127510.3, NM_001354895.2); c.1406G>A, p.Gly469Glu (NM_001127511.3); c.1514G>A, p.Gly505Glu (NM_001354896.2); c.1490G>A, p.Gly497Glu (NM_001354897.2); c.1385G>A, p.Gly462Glu (NM_001354898.2); c.1376G>A, p.Gly459Glu (NM_001354899.2); c.1337G>A, p.Gly446Glu (NM_001354900.2); c.1283G>A, p.Gly428Glu (NM_001354901.2); and 5 more; short protein forms G204E, G327E, G361E, G386E, G396E, G428E, G446E, G459E.
Identifiers: ClinVar variation 1018692 (VCV001018692.49), dbSNP rs1763771481, ClinGen allele CA16024504.